The following is an entry in ClinVar:

NM_001177316.2(SLC34A3):c.560+42dup

Gene: SLC34A3 (solute carrier family 34 member 3; plus strand). Cytogenetic location: 9q34.3.
Variant type: Duplication.
Coding change: c.560+42dup on transcript NM_001177316.2 (MANE Select); 42 bases into the intron after coding-DNA position 560, one base duplicated (A; older notation c.560+42dupA).
Molecular consequence: intron variant.
Genome position (GRCh38, 1-based): chr9:137,233,157, A duplicated. VCF-style (leftmost placement, unchanged base first): chr9-137233156-C-CA. GRCh37 (hg19) VCF-style: chr9-140127608-C-CA.
Other names: c.560+42dup (NM_001177317.2, NM_080877.3).
Identifiers: ClinVar variation 4997874 (VCV004997874.1).

ClinVar aggregate classification (germline): Likely benign (1 of 4 stars; one submission).

Conditions:
SLC34A3-related disorder. Also called: SLC34A3-related condition.

Submission:

PreventionGenetics, part of Exact Sciences
Classification: Likely benign for SLC34A3-related condition. Last evaluated: 2024-12-26. Review status: criteria provided, single submitter. Criteria: ACMG Guidelines, 2015. Collection method: clinical testing. Allele origin: germline.
Comment: This variant is classified as likely benign based on ACMG/AMP sequence variant interpretation guidelines (Richards et al. 2015 PMID: 25741868, with internal and published modifications).